The following is an entry in ClinVar:

ClinVar aggregate classification (germline): Uncertain significance. Review status: criteria provided, multiple submitters, no conflicts (2 of 4 stars). 2 submissions from 2 submitters: Uncertain significance (2). Last evaluated 2026-04-13.
ClinVar aggregate classification (oncogenicity): Uncertain significance (1 of 4 stars; one submission).

Conditions:
Multiple endocrine neoplasia, type 2 (MEN2). Identifiers: Orphanet 653, MedGen C4048306, MONDO:0019003. Disease mechanism: gain of function.
Hereditary cancer-predisposing syndrome. Also called: Hereditary Cancer Syndrome; Neoplastic Syndromes, Hereditary; Tumor predisposition; Hereditary neoplastic syndrome. Identifiers: Orphanet 140162, MedGen C0027672, MeSH D009386, MONDO:0015356.
Neoplasm. Also called: Neoplasms; Neoplasm (disease); tumor. Identifiers: MedGen C0027651, MeSH D009369, MONDO:0005070, HP:0002664.

Submissions (3):

Ambry Genetics
Classification: Uncertain significance for Hereditary cancer-predisposing syndrome. Last evaluated: 2026-04-13. Review status: criteria provided, single submitter. Criteria: Ambry Variant Classification Scheme 2023. Collection method: clinical testing. Allele origin: germline.
Comment: The p.V706L variant (also known as c.2116G>T), located in coding exon 11 of the RET gene, results from a G to T substitution at nucleotide position 2116. The valine at codon 706 is replaced by leucine, an amino acid with highly similar properties. This amino acid position is well conserved in available vertebrate species. In addition, the in silico prediction for this alteration is inconclusive. Based on the available evidence, the clinical significance of this variant remains unclear.

Center for Genomic Medicine, Rigshospitalet, Copenhagen University Hospital
Classification: Uncertain significance for Neoplasm. Last evaluated: 2025-12-29. Review status: criteria provided, single submitter. Criteria: ClinGen/CGC/VICC Guidelines for Oncogenicity, 2022. Collection method: clinical testing. Allele origin: somatic. Affected: yes.

Labcorp Genetics (formerly Invitae), Labcorp
Classification: Uncertain significance for Multiple endocrine neoplasia, type 2. Last evaluated: 2022-03-05. Review status: criteria provided, single submitter. Criteria: Invitae Variant Classification Sherloc (09022015). Collection method: clinical testing. Allele origin: germline.
Comment: In summary, the available evidence is currently insufficient to determine the role of this variant in disease. Therefore, it has been classified as a Variant of Uncertain Significance. Algorithms developed to predict the effect of missense changes on protein structure and function (SIFT, PolyPhen-2, Align-GVGD) all suggest that this variant is likely to be tolerated. ClinVar contains an entry for this variant (Variation ID: 967060). This variant has not been reported in the literature in individuals affected with RET-related conditions. This variant is not present in population databases (gnomAD no frequency). This sequence change replaces valine, which is neutral and non-polar, with leucine, which is neutral and non-polar, at codon 706 of the RET protein (p.Val706Leu).

Literature cited by the submitters: PubMed 27683183 (cited by Center for Genomic Medicine, Rigshospitalet, Copenhagen University Hospital); PubMed 30446652 (cited by Center for Genomic Medicine, Rigshospitalet, Copenhagen University Hospital); PubMed 34741450 (cited by Center for Genomic Medicine, Rigshospitalet, Copenhagen University Hospital).

NM_020975.6(RET):c.2116G>T (p.Val706Leu)

Gene: RET (ret proto-oncogene; plus strand). Cytogenetic location: 10q11.21.
Variant type: single nucleotide variant.
Coding change: c.2116G>T on transcript NM_020975.6 (MANE Select); coding-DNA position 2116, G replaced by T.
Protein change: p.Val706Leu; replaces valine 706 with leucine.
Molecular consequence: missense variant.
Genome position (GRCh38, 1-based): chr10:43,114,716, G>T. VCF-style: chr10-43114716-G-T. GRCh37 (hg19) VCF-style: chr10-43610164-G-T.
Other names: c.2116G>T, p.Val706Leu (NM_000323.2, NM_001406743.1, NM_001406744.1 and 4 more transcripts); c.1354G>T, p.Val452Leu (NM_001355216.2); c.1987G>T, p.Val663Leu (NM_001406761.1, NM_001406762.1, NM_001406764.1); c.1981G>T, p.Val661Leu (NM_001406763.1, NM_001406765.1); c.1390G>T, p.Val464Leu (NM_001406776.1, NM_001406777.1, NM_001406778.1 and 1 more transcripts); c.1219G>T, p.Val407Leu (NM_001406779.1, NM_001406780.1, NM_001406781.1 and 1 more transcripts); c.1090G>T, p.Val364Leu (NM_001406783.1, NM_001406786.1); c.1126G>T, p.Val376Leu (NM_001406784.1); and 10 more; short protein forms V452L, V706L, V311L, V618L, V663L, V223L, V271L, V407L.
Identifiers: ClinVar variation 967060 (VCV000967060.12), dbSNP rs137855422, ClinGen allele CA376553344.
Genomic context (GRCh38, chr10:43,114,716, plus strand): 5'-AGCTACTCCTCTTCCGGTGCCCGCCGGCCCTCGCTGGACTCCATGGAGAACCAGGTCTCC[G>T]TGGATGCCTTCAAGATCCTGGTGAGGGTCCCTGCGGGGCAGGGAAGATCCCCTGCCCTCC-3'
Protein context (NP_066124.1, residues 696-716): SLDSMENQVS[Val706Leu]DAFKILEDPK